The following is an entry in ClinVar:

ClinVar aggregate classification (germline): Benign/Likely benign. Review status: criteria provided, multiple submitters, no conflicts (2 of 4 stars). 2 submissions from 2 submitters: Benign (1); Likely benign (1). Last evaluated 2024-11-27.

Conditions:
Premature ovarian failure 5 (POF5). Identifiers: MedGen C1969060, MONDO:0012689, OMIM 611548.

Allele frequency attached by ClinVar (database versions not stated): gnomAD exomes 0.00049 and 0.00142; ExAC 0.00169; TOPMed 0.00544; gnomAD 0.00481 and 0.00465; 1000 Genomes Project 0.00938; ESP Exome Variant Server 0.00618; 1000 Genomes Project 30x 0.00984.
gnomAD v4.1: 1,448 of 1,613,184 alleles (0.09%); highest among the groups gnomAD compares: African/African-American, 1.6%; 10 homozygotes.

Submissions (2):

Blueprint Genetics
Classification: Likely benign. Last evaluated: 2024-11-27. Review status: criteria provided, single submitter. Criteria: ACMG Guidelines, 2015. Collection method: clinical testing. Allele origin: germline.

Illumina Laboratory Services, Illumina
Classification: Benign for Premature ovarian failure 5. Last evaluated: 2018-01-13. Review status: criteria provided, single submitter. Criteria: ICSL Variant Classification Criteria 13 December 2019. Collection method: clinical testing. Allele origin: germline.
Comment: This variant was observed in the ICSL laboratory as part of a predisposition screen in an ostensibly healthy population. It had not been previously curated by ICSL or reported in the Human Gene Mutation Database (HGMD: prior to June 1st, 2018), and was therefore a candidate for classification through an automated scoring system. Utilizing variant allele frequency, disease prevalence and penetrance estimates, and inheritance mode, an automated score was calculated to assess if this variant is too frequent to cause the disease. Based on the score and internal cut-off values, a variant classified as benign is not then subjected to further curation. The score for this variant resulted in a classification of benign for this disease.

NM_001080413.3(NOBOX):c.86-8C>T

Gene: NOBOX (NOBOX oogenesis homeobox; minus strand). Cytogenetic location: 7q35.
Variant type: single nucleotide variant.
Coding change: c.86-8C>T on transcript NM_001080413.3; 8 bases into the intron before coding-DNA position 86, C replaced by T.
Genome position (GRCh38, 1-based): chr7:144,404,688, G>A on the plus strand (C>T on the coding strand, the complement: NOBOX is on the minus strand). VCF-style: chr7-144404688-G-A. GRCh37 (hg19) VCF-style: chr7-144101781-G-A.
Other names: NM_001080413.3:c.86-8C>T.
Identifiers: ClinVar variation 359157 (VCV000359157.6), dbSNP rs189548165, ClinGen allele CA4544966.
Genomic context (GRCh38, chr7:144,404,688, plus strand): 5'-GTAGATCCGGTACAGTCCACACACAGGAAATTCAGGTACAGCCAGGGGCGGCCCTGCCAG[G>A]GACGGTGTGGTTACTGTGTTTCCATCCATTTGGTGTTTCGATTTTATTCTCTGAGAATGG-3'